The following is an entry in ClinVar:

ClinVar aggregate classification (germline): Conflicting classifications of pathogenicity. Review status: criteria provided, conflicting classifications (1 of 4 stars). 5 submissions from 5 submitters: Uncertain significance (3); Likely benign (1). 1 of the submissions does not count toward it. Last evaluated 2024-10-23.

Conditions:
CEP290-related disorder. Also called: CEP290-related condition; CEP290-related disorders. Identifiers: MedGen CN239314.
Meckel syndrome, type 4 (MKS4). Also called: MECKEL-GRUBER SYNDROME, TYPE 4. Identifiers: Orphanet 564, MedGen C1970161, MONDO:0012626, OMIM 611134.
Senior-Loken syndrome 6 (SLSN6). Identifiers: Orphanet 3156, MedGen C1857779, MONDO:0012433, OMIM 610189.
Joubert syndrome 5 (JBTS5). Identifiers: Orphanet 2318, MedGen C1857780, MONDO:0012432, OMIM 610188.
Bardet-Biedl syndrome 14 (BBS14). Identifiers: Orphanet 110, MedGen C2673874, MONDO:0014442, OMIM 615991.
Leber congenital amaurosis 10 (LCA10). Identifiers: Orphanet 65, MedGen C1857821, MONDO:0012723, OMIM 611755.
Joubert syndrome. Also called: JOUBERT-BOLTSHAUSER SYNDROME; Familial aplasia of the vermis. Identifiers: Orphanet 475, MedGen C5979921, MONDO:0018772.
Nephronophthisis. Also called: Juvenile Nephronophthisis. Identifiers: Orphanet 655, MedGen C0687120, MONDO:0019005, HP:0000090.
Meckel-Gruber syndrome. Also called: DYSENCEPHALIA SPLANCHNOCYSTICA; GRUBER SYNDROME; Dysencephalia splachnocystica. Identifiers: Orphanet 564, MedGen C0265215, MONDO:0018921.

Allele frequency attached by ClinVar (database versions not stated): gnomAD 0.00001; TOPMed 0.00002; gnomAD exomes 0.00006 and 0.00009; ExAC 0.00007; ESP Exome Variant Server 0.00009.
gnomAD v4.1: 123 of 1,541,706 alleles (0.008%); highest among the groups gnomAD compares: Non-Finnish European, 0.01%; no homozygotes.

Submissions (5):

Blueprint Genetics
Classification: Uncertain significance. Last evaluated: 2024-10-23. Review status: criteria provided, single submitter. Criteria: ACMG Guidelines, 2015. Collection method: clinical testing. Allele origin: germline.

Fulgent Genetics
Classification: Uncertain significance for Joubert syndrome 5; Senior-Loken syndrome 6; Meckel syndrome, type 4; Leber congenital amaurosis 10; Bardet-Biedl syndrome 14. Last evaluated: 2024-02-06. Review status: criteria provided, single submitter. Criteria: ACMG Guidelines, 2015. Collection method: clinical testing. Allele origin: germline.

Labcorp Genetics (formerly Invitae), Labcorp
Classification: Uncertain significance for Joubert syndrome; Meckel-Gruber syndrome; Nephronophthisis. Last evaluated: 2021-09-01. Review status: criteria provided, single submitter. Criteria: Invitae Variant Classification Sherloc (09022015). Collection method: clinical testing. Allele origin: germline.
Comment: This sequence change replaces lysine with glutamic acid at codon 1326 of the CEP290 protein (p.Lys1326Glu). The lysine residue is highly conserved and there is a small physicochemical difference between lysine and glutamic acid. This variant is present in population databases (rs377156725, ExAC 0.01%). This variant has not been reported in the literature in individuals affected with CEP290-related conditions. ClinVar contains an entry for this variant (Variation ID: 668429). Algorithms developed to predict the effect of missense changes on protein structure and function are either unavailable or do not agree on the potential impact of this missense change (SIFT: "Deleterious"; PolyPhen-2: "Possibly Damaging"; Align-GVGD: "Class C0"). In summary, the available evidence is currently insufficient to determine the role of this variant in disease. Therefore, it has been classified as a Variant of Uncertain Significance.

GeneDx
Classification: Likely benign. Last evaluated: 2018-05-21. Review status: criteria provided, single submitter. Criteria: GeneDx Variant Classification (06012015). Collection method: clinical testing. Allele origin: germline. Affected: yes.
Comment: This variant is considered likely benign or benign based on one or more of the following criteria: it is a conservative change, it occurs at a poorly conserved position in the protein, it is predicted to be benign by multiple in silico algorithms, and/or has population frequency not consistent with disease.

PreventionGenetics, part of Exact Sciences
Classification: Uncertain significance for CEP290-related condition. Last evaluated: 2024-03-13. Review status: no assertion criteria provided. Collection method: clinical testing. Allele origin: germline. Not counted in ClinVar's aggregate classification.
Comment: The CEP290 c.3976A>G variant is predicted to result in the amino acid substitution p.Lys1326Glu. To our knowledge, this variant has not been reported in the literature. This variant is reported in 0.012% of alleles in individuals of European (Non-Finnish) descent in gnomAD. At this time, the clinical significance of this variant is uncertain due to the absence of conclusive functional and genetic evidence.

NM_025114.4(CEP290):c.3976A>G (p.Lys1326Glu)

Gene: CEP290 (centrosomal protein 290; minus strand). Cytogenetic location: 12q21.32.
Variant type: single nucleotide variant.
Coding change: c.3976A>G on transcript NM_025114.4 (MANE Select); coding-DNA position 3976, A replaced by G.
Protein change: p.Lys1326Glu; replaces lysine 1326 with glutamic acid.
Molecular consequence: missense variant.
Genome position (GRCh38, 1-based): chr12:88,089,085, T>C on the plus strand (A>G on the coding strand, the complement: CEP290 is on the minus strand). VCF-style: chr12-88089085-T-C. GRCh37 (hg19) VCF-style: chr12-88482862-T-C.
Other names: short protein forms K1326E.
Identifiers: ClinVar variation 668429 (VCV000668429.6), dbSNP rs377156725, ClinGen allele CA6712051.